The following is an entry in ClinVar:

NM_002693.3(POLG):c.3644-99C>T

Genes: FANCI (FA complementation group I; plus strand), POLG (DNA polymerase gamma, catalytic subunit; minus strand). Cytogenetic location: 15q26.1.
Variant type: single nucleotide variant.
Coding change: c.3644-99C>T on transcript NM_002693.3 (MANE Select); 99 bases into the intron before coding-DNA position 3644, C replaced by T.
Molecular consequence: intron variant. On other transcripts: 3 prime UTR variant (4).
Genome position (GRCh38, 1-based): chr15:89,316,926, G>A on the plus strand (C>T on the coding strand, the complement: POLG is on the minus strand). VCF-style: chr15-89316926-G-A. GRCh37 (hg19) VCF-style: chr15-89860157-G-A.
Other names: c.*467G>A (NM_001113378.2, NM_001376910.1, NM_001376911.1 and 1 more transcripts); c.3644-99C>T (NM_001126131.2).
Identifiers: ClinVar variation 317314 (VCV000317314.6), dbSNP rs3176241, ClinGen allele CA10646678.
Genomic context (GRCh38, chr15:89,316,926, plus strand): 5'-GAACTGTAACTGAGAGCTCAGAAGTGAGCAAAGGAGCTTAATGCTAAGGTCAAAAGGAGA[G>A]TGAAAGGTTGAGAACAATTGCCACGAACGGTAATGTTACATGTTAGGAGGGTCTGTTTTC-3'

ClinVar aggregate classification (germline): Benign/Likely benign. Review status: criteria provided, multiple submitters, no conflicts (2 of 4 stars). 2 submissions from 2 submitters: Benign (1); Likely benign (1). Last evaluated 2018-06-16.

Conditions:
Fanconi anemia complementation group I (FANCI). Also called: FANCI-Related Fanconi Anemia. Identifiers: Orphanet 84, MedGen C1836861, MONDO:0012186, OMIM 609053.

Allele frequency attached by ClinVar (database versions not stated): gnomAD exomes 0.00121; 1000 Genomes Project 0.00998; gnomAD 0.01079 and 0.01180; 1000 Genomes Project 30x 0.01124; TOPMed 0.01274.
gnomAD v4.1: 2,554 of 883,040 alleles (0.29%); highest among the groups gnomAD compares: African/African-American, 3.7%; 40 homozygotes.

Submissions (2):

GeneDx
Classification: Likely benign. Last evaluated: 2018-06-16. Review status: criteria provided, single submitter. Criteria: GeneDx Variant Classification (06012015). Collection method: clinical testing. Allele origin: germline. Affected: yes.
Comment: This variant is considered likely benign or benign based on one or more of the following criteria: it is a conservative change, it occurs at a poorly conserved position in the protein, it is predicted to be benign by multiple in silico algorithms, and/or has population frequency not consistent with disease.

Illumina Laboratory Services, Illumina
Classification: Benign for Fanconi anemia complementation group I. Last evaluated: 2018-01-12. Review status: criteria provided, single submitter. Criteria: ICSL Variant Classification Criteria 13 December 2019. Collection method: clinical testing. Allele origin: germline.
Comment: This variant was observed in the ICSL laboratory as part of a predisposition screen in an ostensibly healthy population. It had not been previously curated by ICSL or reported in the Human Gene Mutation Database (HGMD: prior to June 1st, 2018), and was therefore a candidate for classification through an automated scoring system. Utilizing variant allele frequency, disease prevalence and penetrance estimates, and inheritance mode, an automated score was calculated to assess if this variant is too frequent to cause the disease. Based on the score and internal cut-off values, a variant classified as benign is not then subjected to further curation. The score for this variant resulted in a classification of benign for this disease.